The following is an entry in ClinVar:

NM_001605.3(AARS1):c.1067C>T (p.Ser356Phe)

Gene: AARS1 (alanyl-tRNA synthetase 1; minus strand). Cytogenetic location: 16q22.1.
Variant type: single nucleotide variant.
Coding change: c.1067C>T on transcript NM_001605.3 (MANE Select); coding-DNA position 1067, C replaced by T.
Protein change: p.Ser356Phe; replaces serine 356 with phenylalanine.
Molecular consequence: missense variant.
Genome position (GRCh38, 1-based): chr16:70,268,275, G>A on the plus strand (C>T on the coding strand, the complement: AARS1 is on the minus strand). VCF-style: chr16-70268275-G-A. GRCh37 (hg19) VCF-style: chr16-70302178-G-A.
Other names: short protein forms S356F.
Identifiers: ClinVar variation 246516 (VCV000246516.13), dbSNP rs771898925, ClinGen allele CA8140940.
Genomic context (GRCh38, chr16:70,268,275, plus strand): 5'-CATCCCTCTTAACGGACTGCTTTAGCACAGAAGGGTAAGCAGAGAAATAAACCTACCAGG[G>A]ACTGGACGACAACATCCACTAACGTAGCAAAGAAGCCCCTGCTGGCATTGAGCTTTTCAT-3'
Protein context (NP_001596.2, residues 346-366): FATLVDVVVQ[Ser356Phe]LGDAFPELKK

ClinVar aggregate classification (germline): Uncertain significance. Review status: criteria provided, multiple submitters, no conflicts (2 of 4 stars). 3 submissions from 3 submitters: Uncertain significance (3). Last evaluated 2025-09-28.

Conditions:
Inborn genetic diseases. Identifiers: MedGen C0950123, MeSH D030342.
Charcot-Marie-Tooth disease type 2. Also called: Charcot-Marie-Tooth type 2. Identifiers: Orphanet 64746, MedGen C0270914, MONDO:0018993.

Allele frequency attached by ClinVar (database versions not stated): gnomAD 0.00001; gnomAD exomes 0.00001 and 0.00002; ExAC 0.00001; TOPMed 0.00002.
gnomAD v4.1: 36 of 1,613,630 alleles (0.0022%); highest among the groups gnomAD compares: Admixed American, 0.0033%; no homozygotes.

Submissions (3):

Ambry Genetics
Classification: Uncertain significance for Inborn genetic diseases. Last evaluated: 2025-09-28. Review status: criteria provided, single submitter. Criteria: Ambry Variant Classification Scheme 2023. Collection method: clinical testing. Allele origin: germline.

Labcorp Genetics (formerly Invitae), Labcorp
Classification: Uncertain significance for Charcot-Marie-Tooth disease type 2. Last evaluated: 2025-04-17. Review status: criteria provided, single submitter. Criteria: Invitae Variant Classification Sherloc (09022015). Collection method: clinical testing. Allele origin: germline.
Comment: This sequence change replaces serine, which is neutral and polar, with phenylalanine, which is neutral and non-polar, at codon 356 of the AARS protein (p.Ser356Phe). This variant is present in population databases (rs771898925, gnomAD 0.002%). This variant has not been reported in the literature in individuals affected with AARS-related conditions. ClinVar contains an entry for this variant (Variation ID: 246516). Invitae Evidence Modeling of protein sequence and biophysical properties (such as structural, functional, and spatial information, amino acid conservation, physicochemical variation, residue mobility, and thermodynamic stability) indicates that this missense variant is not expected to disrupt AARS protein function with a negative predictive value of 95%. In summary, the available evidence is currently insufficient to determine the role of this variant in disease. Therefore, it has been classified as a Variant of Uncertain Significance.

GeneDx
Classification: Uncertain significance. Last evaluated: 2016-03-22. Review status: criteria provided, single submitter. Criteria: GeneDx Variant Classification (06012015). Collection method: clinical testing. Allele origin: germline. Affected: yes.
Comment: The S356F variant in the AARS gene has not been reported previously as a pathogenic variant, nor as a benign variant, to our knowledge. Data from control individuals were not available to assess whether S356F may be a common benign variant in the general population. The S356F variant is a non-conservative amino acid substitution, which is likely to impact secondary protein structure as these residues differ in polarity, charge, size and/or other properties. This substitution occurs at a position that is conserved across species. In silico analysis is inconsistent in its predictions as to whether or not the variant is damaging to the protein structure/function. We interpret S356F as a variant of uncertain significance